The following is an entry in ClinVar:

ClinVar aggregate classification (germline): Uncertain significance. Review status: criteria provided, multiple submitters, no conflicts (2 of 4 stars). 2 submissions from 2 submitters: Uncertain significance (2). Last evaluated 2025-10-24.

Conditions:
Pitt-Hopkins-like syndrome 2 (PTHSL2). Identifiers: Orphanet 221150, Orphanet 600663, MedGen C3280479, MONDO:0013690, OMIM 614325.
Inborn genetic diseases. Identifiers: MedGen C0950123, MeSH D030342.

gnomAD v4.1: 1 of 1,598,464 alleles (0.000063%); highest among the groups gnomAD compares: African/African-American, 0.0013%; no homozygotes.

Submissions (2):

Ambry Genetics
Classification: Uncertain significance for Inborn genetic diseases. Last evaluated: 2025-10-24. Review status: criteria provided, single submitter. Criteria: Ambry Variant Classification Scheme 2023. Collection method: clinical testing. Allele origin: germline.

Labcorp Genetics (formerly Invitae), Labcorp
Classification: Uncertain significance for Pitt-Hopkins-like syndrome 2. Last evaluated: 2022-11-27. Review status: criteria provided, single submitter. Criteria: Invitae Variant Classification Sherloc (09022015). Collection method: clinical testing. Allele origin: germline.
Comment: In summary, the available evidence is currently insufficient to determine the role of this variant in disease. Therefore, it has been classified as a Variant of Uncertain Significance. Algorithms developed to predict the effect of missense changes on protein structure and function are either unavailable or do not agree on the potential impact of this missense change (SIFT: "Deleterious"; PolyPhen-2: "Benign"; Align-GVGD: "Class C0"). This variant has not been reported in the literature in individuals affected with NRXN1-related conditions. This variant is not present in population databases (gnomAD no frequency). This sequence change replaces phenylalanine, which is neutral and non-polar, with leucine, which is neutral and non-polar, at codon 261 of the NRXN1 protein (p.Phe261Leu).

NM_001330078.2(NRXN1):c.772+1043C>A

Gene: NRXN1 (neurexin 1; minus strand). Cytogenetic location: 2p16.3.
Variant type: single nucleotide variant.
Coding change: c.772+1043C>A on transcript NM_001330078.2 (MANE Select); 1043 bases into the intron after coding-DNA position 772, C replaced by A.
Molecular consequence: intron variant. On other transcripts: missense variant (1).
Genome position (GRCh38, 1-based): chr2:51,026,459, G>T on the plus strand (C>A on the coding strand, the complement: NRXN1 is on the minus strand). VCF-style: chr2-51026459-G-T. GRCh37 (hg19) VCF-style: chr2-51253597-G-T.
Other names: c.783C>A, p.Phe261Leu (NM_001135659.3); c.772+1043C>A (NM_001330096.2, NM_001330087.2, NM_001330083.2 and 14 more transcripts); c.783C>A (NM_001135659.1); short protein forms F261L.
Identifiers: ClinVar variation 2871100 (VCV002871100.4), dbSNP rs1179583246, ClinGen allele CA346823271.